The following is an entry in ClinVar:

ClinVar aggregate classification (germline): Uncertain significance. Review status: criteria provided, multiple submitters, no conflicts (2 of 4 stars). 2 submissions from 2 submitters: Uncertain significance (2). Last evaluated 2024-11-14.

Conditions:
Inborn genetic diseases. Identifiers: MedGen C0950123, MeSH D030342.

Allele frequency attached by ClinVar (database versions not stated): gnomAD 0.00001; ExAC 0.00002; gnomAD exomes 0.00002; TOPMed 0.00003.
gnomAD v4.1: 35 of 1,613,478 alleles (0.0022%); highest among the groups gnomAD compares: Admixed American, 0.005%; no homozygotes.

Submissions (2):

Ambry Genetics
Classification: Uncertain significance for Inborn genetic diseases. Last evaluated: 2024-11-14. Review status: criteria provided, single submitter. Criteria: Ambry Variant Classification Scheme 2023. Collection method: clinical testing. Allele origin: germline.

Labcorp Genetics (formerly Invitae), Labcorp
Classification: Uncertain significance. Last evaluated: 2022-06-04. Review status: criteria provided, single submitter. Criteria: Invitae Variant Classification Sherloc (09022015). Collection method: clinical testing. Allele origin: germline.
Comment: This sequence change replaces leucine, which is neutral and non-polar, with proline, which is neutral and non-polar, at codon 164 of the P3H2 protein (p.Leu164Pro). This variant is present in population databases (rs745876770, gnomAD 0.006%). This variant has not been reported in the literature in individuals affected with P3H2-related conditions. ClinVar contains an entry for this variant (Variation ID: 851493). Algorithms developed to predict the effect of missense changes on protein structure and function (SIFT, PolyPhen-2, Align-GVGD) all suggest that this variant is likely to be tolerated. In summary, the available evidence is currently insufficient to determine the role of this variant in disease. Therefore, it has been classified as a Variant of Uncertain Significance.

NM_018192.4(P3H2):c.491T>C (p.Leu164Pro)

Gene: P3H2 (prolyl 3-hydroxylase 2; minus strand). Cytogenetic location: 3q28.
Variant type: single nucleotide variant.
Coding change: c.491T>C on transcript NM_018192.4 (MANE Select); coding-DNA position 491, T replaced by C.
Protein change: p.Leu164Pro; replaces leucine 164 with proline.
Molecular consequence: missense variant. On other transcripts: 5 prime UTR variant (1).
Genome position (GRCh38, 1-based): chr3:189,995,432, A>G on the plus strand (T>C on the coding strand, the complement: P3H2 is on the minus strand). VCF-style: chr3-189995432-A-G. GRCh37 (hg19) VCF-style: chr3-189713221-A-G.
Other names: c.-53T>C (NM_001134418.2); short protein forms L164P.
Identifiers: ClinVar variation 851493 (VCV000851493.5), dbSNP rs745876770, ClinGen allele CA2753330.